The following is an entry in ClinVar:

NM_005529.7(HSPG2):c.2420C>T (p.Thr807Met)

Gene: HSPG2 (heparan sulfate proteoglycan 2; minus strand). Cytogenetic location: 1p36.12.
Variant type: single nucleotide variant.
Coding change: c.2420C>T on transcript NM_005529.7 (MANE Select); coding-DNA position 2420, C replaced by T.
Protein change: p.Thr807Met; replaces threonine 807 with methionine.
Molecular consequence: missense variant.
Genome position (GRCh38, 1-based): chr1:21,879,045, G>A on the plus strand (C>T on the coding strand, the complement: HSPG2 is on the minus strand). VCF-style: chr1-21879045-G-A. GRCh37 (hg19) VCF-style: chr1-22205538-G-A.
Other names: c.2423C>T, p.Thr808Met (NM_001291860.2); short protein forms T807M, T808M.
Identifiers: ClinVar variation 928892 (VCV000928892.1), dbSNP rs1307282477, ClinGen allele CA338964890.

ClinVar aggregate classification (germline): Uncertain significance (1 of 4 stars; one submission).

Allele frequency attached by ClinVar (database versions not stated): gnomAD exomes below 0.00001 and 0.00001; TOPMed below 0.00001.
gnomAD v4.1: 6 of 1,614,226 alleles (0.00037%); highest among the groups gnomAD compares: Admixed American, 0.0033%; no homozygotes.

Submission:

Women's Health and Genetics/Laboratory Corporation of America, LabCorp
Classification: Uncertain significance. Last evaluated: 2019-12-02. Review status: criteria provided, single submitter. Criteria: LabCorp Variant Classification Summary - May 2015. Collection method: clinical testing. Allele origin: germline.
Comment: Variant summary: HSPG2 c.2420C>T (p.Thr807Met) results in a non-conservative amino acid change located in the first laminin EGF (LE) domain (IPR002049) of the encoded protein sequence. Three of five in-silico tools predict a benign effect of the variant on protein function. The variant allele was found at a frequency of 8e-06 in 251362 control chromosomes (gnomAD), exclusively reported within the Latino subpopulation (2/34580 alleles). The available data on variant occurrences in the general population are insufficient to allow any conclusion about variant significance. To our knowledge, no occurrence of c.2420C>T in individuals affected with Schwartz Jampel syndrome type 1 and no experimental evidence demonstrating its impact on protein function have been reported. No clinical diagnostic laboratories have submitted clinical-significance assessments for this variant to ClinVar after 2014. Based on the evidence outlined above, the variant was classified as uncertain significance.